The following is an entry in ClinVar:

ClinVar aggregate classification (germline): Pathogenic/Likely pathogenic. Review status: criteria provided, multiple submitters, no conflicts (2 of 4 stars). 6 submissions from 5 submitters: Pathogenic (3); Likely pathogenic (1). 2 of the submissions do not count toward it. Last evaluated 2023-07-24.

Conditions:
Vitelliform macular dystrophy 4. Identifiers: Orphanet 99000, MedGen C4015342, MONDO:0014508, OMIM 616151.
Benign concentric annular macular dystrophy. Identifiers: Orphanet 251287, MedGen C5561925, MONDO:0007934, OMIM 153870.
IMPG1-related disorder. Also called: IMPG1-related condition.
Retinitis pigmentosa (RP). Identifiers: Orphanet 791, MedGen C0035334, MeSH D012174, MONDO:0019200, OMIM 268000. Inheritance: Autosomal dominant, autosomal recessive and X linked inheritance.

Allele frequency attached by ClinVar (database versions not stated): gnomAD exomes below 0.00001; ExAC 0.00001.
gnomAD v4.1: 1 of 1,602,710 alleles (0.000062%); highest among the groups gnomAD compares: Admixed American, 0.0017%; no homozygotes.

Submissions (6):

Ophthalmic Genetics Group, Institute of Molecular and Clinical Ophthalmology Basel
Classification: Pathogenic for Retinitis pigmentosa. Last evaluated: 2023-07-24. Review status: criteria provided, single submitter. Criteria: ACMG Guidelines, 2015. Collection method: research. Allele origin: germline. Affected: yes. Observed: 1 variant allele.
Comment: Clinical significance based on ACMG v2.0

This variant was classified as Pathogenic based on ACMG criteria: PVS1, PM2, PP5.

Labcorp Genetics (formerly Invitae), Labcorp
Classification: Pathogenic. Last evaluated: 2023-06-27. Review status: criteria provided, single submitter. Criteria: Invitae Variant Classification Sherloc (09022015). Collection method: clinical testing. Allele origin: germline.
Comment: This variant is present in population databases (rs770887047, gnomAD 0.003%). Algorithms developed to predict the effect of sequence changes on RNA splicing suggest that this variant may disrupt the consensus splice site. ClinVar contains an entry for this variant (Variation ID: 1240018). Disruption of this splice site has been observed in individuals with autosomal dominant retinitis pigmentosa and/or vitelliform macular dystrophy (PMID: 23993198, 32817297). It has also been observed to segregate with disease in related individuals. This sequence change affects a donor splice site in intron 13 of the IMPG1 gene. It is expected to disrupt RNA splicing. Variants that disrupt the donor or acceptor splice site typically lead to a loss of protein function (PMID: 16199547), however the current clinical and genetic evidence is not sufficient to establish whether loss-of-function variants in IMPG1 cause disease. For these reasons, this variant has been classified as Pathogenic.

Institute of Human Genetics, University of Leipzig Medical Center
Classification: Likely pathogenic for Benign concentric annular macular dystrophy. Last evaluated: 2021-12-09. Review status: criteria provided, single submitter. Criteria: ACMG Guidelines, 2015. Collection method: clinical testing. Allele origin: unknown. Affected: yes.
Comment: _x000D_ Criteria applied: PVS1, PS4_SUP

Blueprint Genetics
Classification: Pathogenic for IMPG1-related disorders. Last evaluated: 2018-09-27. Review status: criteria provided, single submitter. Criteria: ACMG Guidelines, 2015. Collection method: clinical testing. Allele origin: germline. Affected: yes. Observed: 2 variant alleles.

OMIM
Classification: Pathogenic for RETINITIS PIGMENTOSA 91. Last evaluated: 2021-09-10. Review status: no assertion criteria provided. Collection method: literature only. Allele origin: germline. Not counted in ClinVar's aggregate classification.

OMIM
Classification: Pathogenic for MACULAR DYSTROPHY, VITELLIFORM, 4. Last evaluated: 2021-09-10. Review status: no assertion criteria provided. Collection method: literature only. Allele origin: germline. Not counted in ClinVar's aggregate classification.

Literature cited by the submitters: PubMed 36909829 (cited by Ophthalmic Genetics Group, Institute of Molecular and Clinical Ophthalmology Basel); PubMed 23993198 (cited by Labcorp Genetics (formerly Invitae), Labcorp); PubMed 32817297 (cited by Labcorp Genetics (formerly Invitae), Labcorp and OMIM); PubMed 16199547 (cited by Labcorp Genetics (formerly Invitae), Labcorp).

NM_001563.4(IMPG1):c.1824+1G>A

Gene: IMPG1 (interphotoreceptor matrix proteoglycan 1; minus strand). Cytogenetic location: 6q14.1.
Variant type: single nucleotide variant.
Coding change: c.1824+1G>A on transcript NM_001563.4 (MANE Select); the canonical splice donor site of the intron after coding-DNA position 1824, G replaced by A.
Molecular consequence: splice donor variant.
Genome position (GRCh38, 1-based): chr6:75,950,561, C>T on the plus strand (G>A on the coding strand, the complement: IMPG1 is on the minus strand). VCF-style: chr6-75950561-C-T. GRCh37 (hg19) VCF-style: chr6-76660278-C-T.
Other names: NP_001554.2:p.?; IVS23DS, G-A, +1; c.1590+1G>A (NM_001282368.2).
Identifiers: ClinVar variation 1240018 (VCV001240018.11), dbSNP rs770887047, ClinGen allele CA3898050.
Genomic context (GRCh38, chr6:75,950,561, plus strand): 5'-TAAAATAACAACAAAGAAAGAAGAGACAAAGAATTGGGAATTGTGAGCAGTGCCCACTCA[C>T]CAGCTGTGTGAATTGTTGCTCCAGAGCTCGGTACTCCAGAGAGCTCTTGTTGAACAGGTC-3'